The following is an entry in ClinVar:

NM_004281.4(BAG3):c.1408C>A (p.Pro470Thr)

Gene: BAG3 (BAG cochaperone 3; plus strand). Cytogenetic location: 10q26.11.
Variant type: single nucleotide variant.
Coding change: c.1408C>A on transcript NM_004281.4 (MANE Select); coding-DNA position 1408, C replaced by A.
Protein change: p.Pro470Thr; replaces proline 470 with threonine.
Molecular consequence: missense variant.
Genome position (GRCh38, 1-based): chr10:119,676,962, C>A. VCF-style: chr10-119676962-C-A. GRCh37 (hg19) VCF-style: chr10-121436474-C-A.
Other names: short protein forms P470T.
Identifiers: ClinVar variation 2105686 (VCV002105686.4), dbSNP rs756020699, ClinGen allele CA5716539.

ClinVar aggregate classification (germline): Uncertain significance (1 of 4 stars; one submission).

Conditions:
Dilated cardiomyopathy 1HH (CMD1HH). Identifiers: Orphanet 154, MedGen C3151293, MONDO:0013479, OMIM 613881.
Myofibrillar myopathy 6. Identifiers: Orphanet 199340, MedGen C2751831, MONDO:0013061, OMIM 612954.

Allele frequency attached by ClinVar (database versions not stated): gnomAD exomes below 0.00001; ExAC 0.00001; TOPMed 0.00001.
gnomAD v4.1: 1 of 1,614,068 alleles (0.000062%); highest among the groups gnomAD compares: East Asian, 0.0022%; no homozygotes.

Submission:

Labcorp Genetics (formerly Invitae), Labcorp
Classification: Uncertain significance for Dilated cardiomyopathy 1HH; Myofibrillar myopathy 6. Last evaluated: 2023-02-18. Review status: criteria provided, single submitter. Criteria: Invitae Variant Classification Sherloc (09022015). Collection method: clinical testing. Allele origin: germline.
Comment: In summary, the available evidence is currently insufficient to determine the role of this variant in disease. Therefore, it has been classified as a Variant of Uncertain Significance. This variant disrupts the p.Pro470 amino acid residue in BAG3. Other variant(s) that disrupt this residue have been determined to be pathogenic (PMID: 30559338, 32859500). This suggests that this residue is clinically significant, and that variants that disrupt this residue are likely to be disease-causing. Advanced modeling of protein sequence and biophysical properties (such as structural, functional, and spatial information, amino acid conservation, physicochemical variation, residue mobility, and thermodynamic stability) performed at Invitae indicates that this missense variant is not expected to disrupt BAG3 protein function. This variant has not been reported in the literature in individuals affected with BAG3-related conditions. This variant is present in population databases (rs756020699, gnomAD 0.006%). This sequence change replaces proline, which is neutral and non-polar, with threonine, which is neutral and polar, at codon 470 of the BAG3 protein (p.Pro470Thr).

Literature cited by the submitters: PubMed 30559338; PubMed 32859500.